The following is an entry in ClinVar:

NM_014974.3(DIP2C):c.3313G>T (p.Val1105Phe)

Genes: DIP2C (disco interacting protein 2 homolog C; minus strand), LOC126860805 (BRD4-independent group 4 enhancer GRCh37_chr10:390524-391723; plus strand). Cytogenetic location: 10p15.3.
Variant type: single nucleotide variant.
Coding change: c.3313G>T on transcript NM_014974.3 (MANE Select); coding-DNA position 3313, G replaced by T.
Protein change: p.Val1105Phe; replaces valine 1105 with phenylalanine.
Molecular consequence: missense variant.
Genome position (GRCh38, 1-based): chr10:345,029, C>A on the plus strand (G>T on the coding strand, the complement: DIP2C is on the minus strand). VCF-style: chr10-345029-C-A. GRCh37 (hg19) VCF-style: chr10-390969-C-A.
Other names: short protein forms V1105F.
Identifiers: ClinVar variation 3344338 (VCV003344338.1).

ClinVar aggregate classification (germline): Uncertain significance (0 of 4 stars; one submission).

Conditions:
DIP2C-related disorder. Also called: DIP2C-related condition.

Submission:

PreventionGenetics, part of Exact Sciences
Classification: Uncertain significance for DIP2C-related condition. Last evaluated: 2024-09-28. Review status: no assertion criteria provided. Collection method: clinical testing. Allele origin: germline.
Comment: The DIP2C c.3313G>T variant is predicted to result in the amino acid substitution p.Val1105Phe. To our knowledge, this variant has not been reported in the literature or in a large population database, indicating this variant is rare. At this time, the clinical significance of this variant is uncertain due to the absence of conclusive functional and genetic evidence.